The following is an entry in ClinVar:

NM_006218.4(PIK3CA):c.1788A>G (p.Glu596=)

Gene: PIK3CA (phosphatidylinositol-4,5-bisphosphate 3-kinase catalytic subunit alpha; plus strand). Cytogenetic location: 3q26.32.
Variant type: single nucleotide variant.
Coding change: c.1788A>G on transcript NM_006218.4 (MANE Select); coding-DNA position 1788, A replaced by G.
Protein change: p.Glu596=; no amino-acid change (glutamic acid 596 retained).
Molecular consequence: synonymous variant.
Genome position (GRCh38, 1-based): chr3:179,219,612, A>G. VCF-style: chr3-179219612-A-G. GRCh37 (hg19) VCF-style: chr3-178937400-A-G.
Other names: c.1788A>G (LRG_310t1, NM_006218.3).
Identifiers: ClinVar variation 412642 (VCV000412642.32), dbSNP rs137902538, ClinGen allele CA2710806.

ClinVar aggregate classification (germline): Benign/Likely benign. Review status: criteria provided, multiple submitters, no conflicts (2 of 4 stars). 7 submissions from 7 submitters: Benign (4); Likely benign (3). Last evaluated 2026-03-01.

Conditions:
Inborn genetic diseases. Identifiers: MedGen C0950123, MeSH D030342.
Cowden syndrome (CS). Also called: Cowden's disease; Cowden's syndrome; Cowden disease. Identifiers: Orphanet 201, MedGen C0018553, MONDO:0016063. Disease mechanism: gain of function.
Cowden syndrome 5 (CWS5). Identifiers: Orphanet 201, MedGen C3554518, MONDO:0014047, OMIM 615108.

Allele frequency attached by ClinVar (database versions not stated): gnomAD exomes 0.00028 and 0.00072; ExAC 0.00093; 1000 Genomes Project 0.00220; 1000 Genomes Project 30x 0.00234; gnomAD 0.00270 and 0.00299; TOPMed 0.00303; ESP Exome Variant Server 0.00307.
gnomAD v4.1: 827 of 1,584,662 alleles (0.052%); highest among the groups gnomAD compares: African/African-American, 1%; 2 homozygotes.

Submissions (7):

CeGaT Center for Human Genetics Tuebingen
Classification: Likely benign. Last evaluated: 2026-03-01. Review status: criteria provided, single submitter. Criteria: CeGaT Center For Human Genetics Tuebingen Variant Classification Criteria Version 2. Collection method: clinical testing. Allele origin: germline. Affected: yes. Observed: 4 variant alleles.
Comment: PIK3CA: BP4, BP7, BS1

Labcorp Genetics (formerly Invitae), Labcorp
Classification: Benign for Cowden syndrome. Last evaluated: 2025-06-23. Review status: criteria provided, single submitter. Criteria: Invitae Variant Classification Sherloc (09022015). Collection method: clinical testing. Allele origin: germline.

Blueprint Genetics
Classification: Likely benign. Last evaluated: 2024-11-14. Review status: criteria provided, single submitter. Criteria: ACMG Guidelines, 2015. Collection method: clinical testing. Allele origin: germline.

KCCC/NGS Laboratory, Kuwait Cancer Control Center
Classification: Benign for Cowden syndrome 5. Last evaluated: 2023-07-07. Review status: criteria provided, single submitter. Criteria: ACMG Guidelines, 2015. Collection method: clinical testing. Allele origin: germline. Affected: yes.

Ambry Genetics
Classification: Likely benign for Inborn genetic diseases. Last evaluated: 2022-02-12. Review status: criteria provided, single submitter. Criteria: Ambry Variant Classification Scheme 2023. Collection method: clinical testing. Allele origin: germline.

GeneDx
Classification: Benign. Last evaluated: 2020-09-15. Review status: criteria provided, single submitter. Criteria: GeneDx Variant Classification Process June 2021. Collection method: clinical testing. Allele origin: germline. Affected: yes.

Breakthrough Genomics
Classification: Benign. Review status: criteria provided, single submitter. Criteria: ACMG Guidelines, 2015. Collection method: not provided. Allele origin: germline. Inheritance: Autosomal dominant inheritance. Affected: yes.